The following is an entry in ClinVar:

ClinVar aggregate classification (germline): Uncertain significance (1 of 4 stars; one submission).

gnomAD v4.1: 12 of 1,612,270 alleles (0.00074%); highest among the groups gnomAD compares: Non-Finnish European, 0.00085%; no homozygotes.

Submission:

Labcorp Genetics (formerly Invitae), Labcorp
Classification: Uncertain significance. Last evaluated: 2019-06-15. Review status: criteria provided, single submitter. Criteria: Invitae Variant Classification Sherloc (09022015). Collection method: clinical testing. Allele origin: germline.
Comment: This variant has not been reported in the literature in individuals with SZT2-related conditions. This sequence change replaces aspartic acid with glutamic acid at codon 1416 of the SZT2 protein (p.Asp1416Glu). The aspartic acid residue is moderately conserved and there is a small physicochemical difference between aspartic acid and glutamic acid. This variant is not present in population databases (ExAC no frequency). Algorithms developed to predict the effect of missense changes on protein structure and function (SIFT, PolyPhen-2, Align-GVGD) all suggest that this variant is likely to be tolerated, but these predictions have not been confirmed by published functional studies and their clinical significance is uncertain. In summary, the available evidence is currently insufficient to determine the role of this variant in disease. Therefore, it has been classified as a Variant of Uncertain Significance.

NM_001365999.1(SZT2):c.4419C>A (p.Asp1473Glu)

Gene: SZT2 (SZT2 subunit of KICSTOR complex; plus strand). Cytogenetic location: 1p34.2.
Variant type: single nucleotide variant.
Coding change: c.4419C>A on transcript NM_001365999.1 (MANE Select); coding-DNA position 4419, C replaced by A.
Protein change: p.Asp1473Glu; replaces aspartic acid 1473 with glutamic acid.
Molecular consequence: missense variant.
Genome position (GRCh38, 1-based): chr1:43,430,328, C>A. VCF-style: chr1-43430328-C-A. GRCh37 (hg19) VCF-style: chr1-43895999-C-A.
Other names: c.4248C>A, p.Asp1416Glu (NM_015284.4); short protein forms D1473E, D1416E.
Identifiers: ClinVar variation 934694 (VCV000934694.9), dbSNP rs377200944, ClinGen allele CA340021226.
Genomic context (GRCh38, chr1:43,430,328, plus strand): 5'-GTGGGATTCTTGCCTCATCATCTTGCTTCATTCTTTTGCCTAGGATGAGGGGCCTCGGGA[C>A]ACAGTAGACAGAAAAATCAGTGACCTGGAGTTTTCAGAGGCTGAGCTTATGGGAGAAGAA-3'
Protein context (NP_001352928.1, residues 1463-1483): SSRREDEGPR[Asp1473Glu]TVDRKISDLE